The following is an entry in ClinVar:

NM_033305.3(VPS13A):c.2200dup (p.Ser734fs)

Gene: VPS13A (vacuolar protein sorting 13 homolog A; plus strand). Cytogenetic location: 9q21.2.
Variant type: Duplication.
Coding change: c.2200dup on transcript NM_033305.3 (MANE Select); coding-DNA position 2200, one base duplicated (A; older notation c.2200dupA).
Protein change: p.Ser734fs; shifts the reading frame from serine 734.
Molecular consequence: frameshift variant.
Genome position (GRCh38, 1-based): chr9:77,252,264, A duplicated. VCF-style (leftmost placement, unchanged base first): chr9-77252263-C-CA. GRCh37 (hg19) VCF-style: chr9-79867179-C-CA.
Other names: c.2200dup, p.Ser734fs (NM_001018037.2, NM_001018038.3, NM_015186.4); c.2200dup (NM_033305.2); short protein forms S734fs.
Identifiers: ClinVar variation 2984048 (VCV002984048.5), dbSNP rs1825184950, ClinGen allele CA1857166704.

ClinVar aggregate classification (germline): Pathogenic/Likely pathogenic. Review status: criteria provided, multiple submitters, no conflicts (2 of 4 stars). 2 submissions from 2 submitters: Pathogenic (1); Likely pathogenic (1). Last evaluated 2025-05-02.

Conditions:
VPS13A-related neurodegenerative disease. Also called: ACANTHOCYTOSIS WITH NEUROLOGIC DISORDER; LEVINE-CRITCHLEY SYNDROME; Choreoacanthocytosis; Chorea-acanthocytosis; Choreaacanthocytosis; VPS13A Disease. Identifiers: Orphanet 2388, MedGen C0393576, MONDO:0008695, OMIM 200150.

Allele frequency attached by ClinVar (database versions not stated): TOPMed 0.00001.

Submissions (2):

Natera, Inc.
Classification: Likely pathogenic for Choreaacanthocytosis. Last evaluated: 2025-05-02. Review status: criteria provided, single submitter. Criteria: Natera Variant Classification Schema (03/2026). Collection method: clinical testing. Allele origin: germline.
Comment: The c.2200dup variant in VPS13A is a frameshift variant predicted to shift the reading frame beginning at codon 734 and leads to a stop codon 19 codons downstream. This variant is expected to result in nonsense mediated decay, truncation, or a dysfunctional protein product. This variant is rare in the general population with a frequency below the threshold expected for the associated phenotype(s). Given the available evidence, this variant is classified as Likely Pathogenic.

Labcorp Genetics (formerly Invitae), Labcorp
Classification: Pathogenic. Last evaluated: 2023-03-16. Review status: criteria provided, single submitter. Criteria: Invitae Variant Classification Sherloc (09022015). Collection method: clinical testing. Allele origin: germline.
Comment: For these reasons, this variant has been classified as Pathogenic. This variant has not been reported in the literature in individuals affected with VPS13A-related conditions. This variant is not present in population databases (gnomAD no frequency). This sequence change creates a premature translational stop signal (p.Ser734Lysfs*19) in the VPS13A gene. It is expected to result in an absent or disrupted protein product. Loss-of-function variants in VPS13A are known to be pathogenic (PMID: 12404112, 21598378).

Literature cited by the submitters: PubMed 12404112 (cited by Labcorp Genetics (formerly Invitae), Labcorp); PubMed 21598378 (cited by Labcorp Genetics (formerly Invitae), Labcorp).